The following is an entry in ClinVar:

ClinVar aggregate classification (germline): Likely pathogenic (1 of 4 stars; one submission).

gnomAD v4.1: 2 of 1,613,726 alleles (0.00012%); highest among the groups gnomAD compares: Non-Finnish European, 0.00017%; no homozygotes.

Submission:

Labcorp Genetics (formerly Invitae), Labcorp
Classification: Likely pathogenic. Last evaluated: 2024-06-19. Review status: criteria provided, single submitter. Criteria: Invitae Variant Classification Sherloc (09022015). Collection method: clinical testing. Allele origin: germline.
Comment: This sequence change affects a donor splice site in intron 12 of the CEP63 gene. It is expected to disrupt RNA splicing. Variants that disrupt the donor or acceptor splice site typically lead to a loss of protein function (PMID: 16199547), and loss-of-function variants in CEP63 are known to be pathogenic (PMID: 21983783, 23936128, 26158450). This variant is not present in population databases (gnomAD no frequency). This variant has not been reported in the literature in individuals affected with CEP63-related conditions. Algorithms developed to predict the effect of sequence changes on RNA splicing suggest that this variant may disrupt the consensus splice site. In summary, the currently available evidence indicates that the variant is pathogenic, but additional data are needed to prove that conclusively. Therefore, this variant has been classified as Likely Pathogenic.

Literature cited by the submitters: PubMed 16199547; PubMed 21983783; PubMed 23936128; PubMed 26158450.

NM_001353108.3(CEP63):c.1380+2T>G

Gene: CEP63 (centrosomal protein 63; plus strand). Cytogenetic location: 3q22.2.
Variant type: single nucleotide variant.
Coding change: c.1380+2T>G on transcript NM_001353108.3 (MANE Select); the canonical splice donor site of the intron after coding-DNA position 1380, T replaced by G.
Molecular consequence: splice donor variant.
Genome position (GRCh38, 1-based): chr3:134,550,262, T>G. VCF-style: chr3-134550262-T-G. GRCh37 (hg19) VCF-style: chr3-134269104-T-G.
Other names: c.1380+2T>G (NM_001353113.1, NM_001353110.1, NM_001353117.2 and 4 more transcripts); c.1242+2T>G (NM_001042384.2, NM_001353122.1, NM_001353109.1 and 6 more transcripts); c.1269+2T>G (NM_001353118.1); c.879+2T>G (NM_001353126.2); c.1158+2T>G (NM_001353125.2).
Identifiers: ClinVar variation 3620767 (VCV003620767.2).